The following is an entry in ClinVar:

NM_000038.6(APC):c.465dup (p.Asp156fs)

Gene: APC (APC regulator of Wnt signaling pathway; plus strand). Cytogenetic location: 5q22.2.
Variant type: Duplication.
Coding change: c.465dup on transcript NM_000038.6 (MANE Select); coding-DNA position 465, one base duplicated (A; older notation c.465dupA).
Protein change: p.Asp156fs; shifts the reading frame from aspartic acid 156.
Molecular consequence: frameshift variant. On other transcripts: 5 prime UTR variant (4), non-coding transcript variant (2).
Genome position (GRCh38, 1-based): chr5:112,775,671, A duplicated; the last of 5 consecutive A bases (chr5:112,775,667-112,775,671); duplicating any one gives the same sequence. VCF-style (leftmost placement, unchanged base first): chr5-112775666-G-GA. GRCh37 (hg19) VCF-style: chr5-112111363-G-GA.
Other names: c.465dup, p.Asp156fs (NM_001127510.3, NM_001354895.2, NM_001354896.2 and 16 more transcripts); c.495dup, p.Asp166fs (NM_001127511.3, NM_001354897.2, NM_001354902.2 and 1 more transcripts); c.390dup, p.Asp131fs (NM_001354898.2, NM_001354904.2, NM_001407451.1); c.288dup, p.Asp97fs (NM_001354900.2, NM_001354901.2, NM_001354905.2 and 1 more transcripts); c.-571dup (NM_001354906.2, NM_001407470.1, NM_001407471.1 and 1 more transcripts); short protein forms D131fs, D156fs, D166fs, D97fs.
Identifiers: ClinVar variation 2583367 (VCV002583367.1), dbSNP rs1554071529, ClinGen allele CA2582341342.

ClinVar aggregate classification (germline): Pathogenic (1 of 4 stars; one submission).

Conditions:
Familial adenomatous polyposis 1 (FAP1). Also called: POLYPOSIS, ADENOMATOUS INTESTINAL; FAMILIAL ADENOMATOUS POLYPOSIS 1, ATTENUATED. Identifiers: MedGen C2713442, MONDO:0021056, OMIM 175100. Disease mechanism: loss of function.

Submission:

Myriad Genetics, Inc.
Classification: Pathogenic for Familial adenomatous polyposis 1. Last evaluated: 2023-04-26. Review status: criteria provided, single submitter. Criteria: Myriad Autosomal Dominant, Autosomal Recessive and X-Linked Classification Criteria (2023). Collection method: clinical testing. Allele origin: unknown.
Comment: This variant is considered pathogenic. This variant creates a frameshift predicted to result in premature protein truncation.